The following is an entry in ClinVar:

NM_000222.3(KIT):c.756+8A>T

Gene: KIT (KIT proto-oncogene, receptor tyrosine kinase; plus strand). Cytogenetic location: 4q12.
Variant type: single nucleotide variant.
Coding change: c.756+8A>T on transcript NM_000222.3 (MANE Select); 8 bases into the intron after coding-DNA position 756, A replaced by T.
Molecular consequence: intron variant.
Genome position (GRCh38, 1-based): chr4:54,699,774, A>T. VCF-style: chr4-54699774-A-T. GRCh37 (hg19) VCF-style: chr4-55565940-A-T.
Other names: c.756+8A>T (NM_001385284.1, NM_001385290.1, NM_001385288.1 and 4 more transcripts).
Identifiers: ClinVar variation 3689234 (VCV003689234.3).

ClinVar aggregate classification (germline): Likely benign. Review status: criteria provided, multiple submitters, no conflicts (2 of 4 stars). 2 submissions from 2 submitters: Likely benign (2). Last evaluated 2026-05-26.

Conditions:
Gastrointestinal stromal tumor. Also called: Gastrointestinal stromal tumor, somatic; Gastrointestinal stroma tumor. Identifiers: Orphanet 44890, MedGen C0238198, MeSH D046152, MONDO:0011719, OMIM 606764, HP:0100723.

Submissions (2):

Myriad Genetics, Inc.
Classification: Likely benign for Gastrointestinal stromal tumor. Last evaluated: 2026-05-26. Review status: criteria provided, single submitter. Criteria: Myriad Autosomal Dominant, Autosomal Recessive and X-Linked Classification Criteria (2023). Collection method: clinical testing. Allele origin: unknown.
Comment: This variant is considered likely benign. This variant is intronic and is not expected to impact mRNA splicing.

Labcorp Genetics (formerly Invitae), Labcorp
Classification: Likely benign for Gastrointestinal stromal tumor. Last evaluated: 2024-11-05. Review status: criteria provided, single submitter. Criteria: Invitae Variant Classification Sherloc (09022015). Collection method: clinical testing. Allele origin: germline.